The following is an entry in ClinVar:

ClinVar aggregate classification (germline): Uncertain significance (1 of 4 stars; one submission).

Allele frequency attached by ClinVar (database versions not stated): TOPMed 0.00002; 1000 Genomes Project 30x 0.00016; 1000 Genomes Project 0.00020.
gnomAD v4.1: 16 of 1,614,124 alleles (0.00099%); highest among the groups gnomAD compares: Middle Eastern, 0.016%; no homozygotes.

Submission:

Labcorp Genetics (formerly Invitae), Labcorp
Classification: Uncertain significance. Last evaluated: 2023-10-03. Review status: criteria provided, single submitter. Criteria: Invitae Variant Classification Sherloc (09022015). Collection method: clinical testing. Allele origin: germline.
Comment: This sequence change replaces glycine, which is neutral and non-polar, with serine, which is neutral and polar, at codon 253 of the NAXE protein (p.Gly253Ser). This variant is present in population databases (rs562768400, gnomAD 0.006%). This missense change has been observed in individual(s) with progressive, early-onset encephalopathy with brain edema and/or leukoencephalopathy (PMID: 31745726). It has also been observed to segregate with disease in related individuals. ClinVar contains an entry for this variant (Variation ID: 1984869). Advanced modeling of protein sequence and biophysical properties (such as structural, functional, and spatial information, amino acid conservation, physicochemical variation, residue mobility, and thermodynamic stability) has been performed at Invitae for this missense variant, however the output from this modeling did not meet the statistical confidence thresholds required to predict the impact of this variant on NAXE protein function. In summary, the available evidence is currently insufficient to determine the role of this variant in disease. Therefore, it has been classified as a Variant of Uncertain Significance.

Literature cited by the submitters: PubMed 31745726.

NM_144772.3(NAXE):c.757G>A (p.Gly253Ser)

Gene: NAXE (NAD(P)HX epimerase; plus strand). Cytogenetic location: 1q22.
Variant type: single nucleotide variant.
Coding change: c.757G>A on transcript NM_144772.3 (MANE Select); coding-DNA position 757, G replaced by A.
Protein change: p.Gly253Ser; replaces glycine 253 with serine.
Molecular consequence: missense variant.
Genome position (GRCh38, 1-based): chr1:156,593,974, G>A. VCF-style: chr1-156593974-G-A. GRCh37 (hg19) VCF-style: chr1-156563766-G-A.
Other names: short protein forms G253S.
Identifiers: ClinVar variation 1984869 (VCV001984869.2), dbSNP rs562768400, ClinGen allele CA1162913.